The following is an entry in ClinVar:

NM_000069.3(CACNA1S):c.2551-11T>C

Gene: CACNA1S (calcium voltage-gated channel subunit alpha1 S; minus strand). Cytogenetic location: 1q32.1.
Variant type: single nucleotide variant.
Coding change: c.2551-11T>C on transcript NM_000069.3 (MANE Select); 11 bases into the intron before coding-DNA position 2551, T replaced by C.
Molecular consequence: intron variant.
Genome position (GRCh38, 1-based): chr1:201,067,004, A>G on the plus strand (T>C on the coding strand, the complement: CACNA1S is on the minus strand). VCF-style: chr1-201067004-A-G. GRCh37 (hg19) VCF-style: chr1-201036132-A-G.
Identifiers: ClinVar variation 3069888 (VCV003069888.2), dbSNP rs2464524528, ClinGen allele CA2825000882.
Genomic context (GRCh38, chr1:201,067,004, plus strand): 5'-TAATTGCGGCAGAAGGAACCCTTGTGCAGGAAGGCTCCGTAGGTCGTCATCTGGGGAGAA[A>G]GAGGCAGCAGCCTGGATGGAGGAGCTTGGAGAACAGGCCTGTCTCCCACAGACAAGGGCT-3'

ClinVar aggregate classification (germline): Likely benign. Review status: criteria provided, multiple submitters, no conflicts (2 of 4 stars). 2 submissions from 2 submitters: Likely benign (2). Last evaluated 2023-03-09.

Conditions:
Malignant hyperthermia, susceptibility to, 5 (MHS5). Also called: CACNA1S-Related Malignant Hyperthermia Susceptibility. Identifiers: Orphanet 423, MedGen C1866077, MONDO:0011163, OMIM 601887.

Submissions (2):

All of Us Research Program, National Institutes of Health
Classification: Likely benign for Malignant hyperthermia, susceptibility to, 5. Last evaluated: 2023-03-09. Review status: criteria provided, single submitter. Criteria: ACMG Guidelines, 2015. Collection method: clinical testing. Allele origin: germline. Inheritance: Autosomal dominant inheritance. Observed: 1 variant allele, 1 heterozygote.
Comment: This study involves interpretation of variants in research participants for the purpose of population health screening. Participant phenotype was not available at the time of variant classification. Additional details can be found in publication PMID: 35346344, PMCID: PMC8962531

Color Diagnostics, LLC DBA Color Health
Classification: Likely benign for Malignant hyperthermia, susceptibility to, 5. Last evaluated: 2023-03-02. Review status: criteria provided, single submitter. Criteria: ACMG Guidelines, 2015. Collection method: clinical testing. Allele origin: germline.